The following is an entry in ClinVar:

NM_001003800.2(BICD2):c.1679G>A (p.Gly560Asp)

Gene: BICD2 (BICD cargo adaptor 2; minus strand). Cytogenetic location: 9q22.31.
Variant type: single nucleotide variant.
Coding change: c.1679G>A on transcript NM_001003800.2 (MANE Select); coding-DNA position 1679, G replaced by A.
Protein change: p.Gly560Asp; replaces glycine 560 with aspartic acid.
Molecular consequence: missense variant.
Genome position (GRCh38, 1-based): chr9:92,718,966, C>T on the plus strand (G>A on the coding strand, the complement: BICD2 is on the minus strand). VCF-style: chr9-92718966-C-T. GRCh37 (hg19) VCF-style: chr9-95481248-C-T.
Other names: c.1679G>A, p.Gly560Asp (NM_015250.4); short protein forms G560D.
Identifiers: ClinVar variation 1972225 (VCV001972225.5), dbSNP rs773956882, ClinGen allele CA5126515.
Genomic context (GRCh38, chr9:92,718,966, plus strand): 5'-CGGCCACGCGCCTCGGGGCTGGTGCGGCCCCCGGGACTGGTGCGGCCGGCCCCGCCCTGG[C>T]CCTCGCGGTAGTAGTCCAGCATGACACGGTTGGGTGTCTCATTGTTGCACATGCACACGT-3'
Protein context (NP_001003800.1, residues 550-570): NRVMLDYYRE[Gly560Asp]QGGAGRTSPG

ClinVar aggregate classification (germline): Uncertain significance (1 of 4 stars; one submission).

Conditions:
Autosomal dominant childhood-onset proximal spinal muscular atrophy with contractures (SMALED2A). Also called: Spinal muscular atrophy, lower extremity-predominant, 2A, autosomal dominant; SPINAL MUSCULAR ATROPHY, LOWER EXTREMITY-PREDOMINANT, 2A, CHILDHOOD ONSET, AUTOSOMAL DOMINANT. Identifiers: Orphanet 363447, Orphanet 363454, MedGen C4747715, MONDO:0014121, OMIM 615290.

Allele frequency attached by ClinVar (database versions not stated): gnomAD exomes below 0.00001; ExAC 0.00001.
gnomAD v4.1: 1 of 1,610,324 alleles (0.000062%); highest among the groups gnomAD compares: Non-Finnish European, 0.000085%; no homozygotes.

Submission:

Labcorp Genetics (formerly Invitae), Labcorp
Classification: Uncertain significance for Autosomal dominant childhood-onset proximal spinal muscular atrophy with contractures. Last evaluated: 2022-08-05. Review status: criteria provided, single submitter. Criteria: Invitae Variant Classification Sherloc (09022015). Collection method: clinical testing. Allele origin: germline.
Comment: In summary, the available evidence is currently insufficient to determine the role of this variant in disease. Therefore, it has been classified as a Variant of Uncertain Significance. Advanced modeling of protein sequence and biophysical properties (such as structural, functional, and spatial information, amino acid conservation, physicochemical variation, residue mobility, and thermodynamic stability) performed at Invitae indicates that this missense variant is not expected to disrupt BICD2 protein function. This variant has not been reported in the literature in individuals affected with BICD2-related conditions. This variant is present in population databases (rs773956882, gnomAD 0.0009%). This sequence change replaces glycine, which is neutral and non-polar, with aspartic acid, which is acidic and polar, at codon 560 of the BICD2 protein (p.Gly560Asp).